The following is an entry in ClinVar:

NM_005654.6(NR2F1):c.539A>G (p.Asn180Ser)

Gene: NR2F1 (nuclear receptor subfamily 2 group F member 1; plus strand). Cytogenetic location: 5q15.
Variant type: single nucleotide variant.
Coding change: c.539A>G on transcript NM_005654.6 (MANE Select); coding-DNA position 539, A replaced by G.
Protein change: p.Asn180Ser; replaces asparagine 180 with serine.
Molecular consequence: missense variant.
Genome position (GRCh38, 1-based): chr5:93,587,992, A>G. VCF-style: chr5-93587992-A-G. GRCh37 (hg19) VCF-style: chr5-92923698-A-G.
Other names: c.89A>G, p.Asn30Ser (NM_001410754.1); short protein forms N180S, N30S.
Identifiers: ClinVar variation 3658311 (VCV003658311.2).

ClinVar aggregate classification (germline): Uncertain significance (1 of 4 stars; one submission).

gnomAD v4.1: 1 of 1,613,620 alleles (0.000062%); highest among the groups gnomAD compares: Non-Finnish European, 0.000085%; no homozygotes.

Submission:

Labcorp Genetics (formerly Invitae), Labcorp
Classification: Uncertain significance. Last evaluated: 2024-06-30. Review status: criteria provided, single submitter. Criteria: Invitae Variant Classification Sherloc (09022015). Collection method: clinical testing. Allele origin: germline.
Comment: This sequence change replaces asparagine, which is neutral and polar, with serine, which is neutral and polar, at codon 180 of the NR2F1 protein (p.Asn180Ser). This variant is not present in population databases (gnomAD no frequency). This variant has not been reported in the literature in individuals affected with NR2F1-related conditions. Advanced modeling of protein sequence and biophysical properties (such as structural, functional, and spatial information, amino acid conservation, physicochemical variation, residue mobility, and thermodynamic stability) performed at Invitae indicates that this missense variant is not expected to disrupt NR2F1 protein function with a negative predictive value of 80%. In summary, the available evidence is currently insufficient to determine the role of this variant in disease. Therefore, it has been classified as a Variant of Uncertain Significance.